The following is an entry in ClinVar:

NM_020937.4(FANCM):c.1396+5G>A

Gene: FANCM (FA complementation group M; plus strand). Cytogenetic location: 14q21.2.
Variant type: single nucleotide variant.
Coding change: c.1396+5G>A on transcript NM_020937.4 (MANE Select); 5 bases into the intron after coding-DNA position 1396, G replaced by A.
Molecular consequence: intron variant.
Genome position (GRCh38, 1-based): chr14:45,155,464, G>A. VCF-style: chr14-45155464-G-A. GRCh37 (hg19) VCF-style: chr14-45624667-G-A.
Other names: c.1318+5G>A (NM_001308133.2); c.1396+5G>A (NM_001308134.2).
Identifiers: ClinVar variation 840706 (VCV000840706.7), dbSNP rs1887116899, ClinGen allele CA916081708.

ClinVar aggregate classification (germline): Uncertain significance (1 of 4 stars; one submission).

Conditions:
Fanconi anemia (FA). Also called: Fanconi's anemia. Identifiers: Orphanet 84, MedGen C0015625, MeSH D005199, MONDO:0019391.

Submission:

Labcorp Genetics (formerly Invitae), Labcorp
Classification: Uncertain significance for Fanconi anemia. Last evaluated: 2019-10-20. Review status: criteria provided, single submitter. Criteria: Invitae Variant Classification Sherloc (09022015). Collection method: clinical testing. Allele origin: germline.
Comment: In summary, the available evidence is currently insufficient to determine the role of this variant in disease. Therefore, it has been classified as a Variant of Uncertain Significance. Nucleotide substitutions within the consensus splice site are a relatively common cause of aberrant splicing (PMID: 17576681, 9536098). Algorithms developed to predict the effect of sequence changes on RNA splicing suggest that this variant may disrupt the consensus splice site, but this prediction has not been confirmed by published transcriptional studies. This variant has not been reported in the literature in individuals with FANCM-related conditions. This variant is not present in population databases (ExAC no frequency). This sequence change falls in intron 8 of the FANCM gene. It does not directly change the encoded amino acid sequence of the FANCM protein, but it affects a nucleotide within the consensus splice site of the intron.

Literature cited by the submitters: PubMed 17576681; PubMed 9536098.